The following is an entry in ClinVar:

NM_005045.4(RELN):c.424A>C (p.Ser142Arg)

Gene: RELN (reelin; minus strand). Cytogenetic location: 7q22.1.
Variant type: single nucleotide variant.
Coding change: c.424A>C on transcript NM_005045.4 (MANE Select); coding-DNA position 424, A replaced by C.
Protein change: p.Ser142Arg; replaces serine 142 with arginine.
Molecular consequence: missense variant.
Genome position (GRCh38, 1-based): chr7:103,833,586, T>G on the plus strand (A>C on the coding strand, the complement: RELN is on the minus strand). VCF-style: chr7-103833586-T-G. GRCh37 (hg19) VCF-style: chr7-103474033-T-G.
Other names: c.424A>C, p.Ser142Arg (NM_173054.3); short protein forms S142R.
Identifiers: ClinVar variation 2944741 (VCV002944741.3), dbSNP rs376843378, ClinGen allele CA368930752.

ClinVar aggregate classification (germline): Uncertain significance (1 of 4 stars; one submission).

Conditions:
Norman-Roberts syndrome (LIS2). Also called: Lissencephaly 2 (Norman-Roberts type). Identifiers: Orphanet 89844, MedGen C0796089, MONDO:0009760, OMIM 257320.
Familial temporal lobe epilepsy 7. Identifiers: Orphanet 101046, MedGen C4225327, MONDO:0014639, OMIM 616436.

Submission:

Labcorp Genetics (formerly Invitae), Labcorp
Classification: Uncertain significance for Familial temporal lobe epilepsy 7; Norman-Roberts syndrome. Last evaluated: 2023-02-26. Review status: criteria provided, single submitter. Criteria: Invitae Variant Classification Sherloc (09022015). Collection method: clinical testing. Allele origin: germline.
Comment: In summary, the available evidence is currently insufficient to determine the role of this variant in disease. Therefore, it has been classified as a Variant of Uncertain Significance. Advanced modeling of protein sequence and biophysical properties (such as structural, functional, and spatial information, amino acid conservation, physicochemical variation, residue mobility, and thermodynamic stability) performed at Invitae indicates that this missense variant is not expected to disrupt RELN protein function. This variant has not been reported in the literature in individuals affected with RELN-related conditions. This variant is not present in population databases (gnomAD no frequency). This sequence change replaces serine, which is neutral and polar, with arginine, which is basic and polar, at codon 142 of the RELN protein (p.Ser142Arg).